The following is an entry in ClinVar:

t(X;3)(q13.3;q11.2)dn

Gene: NEXMIF (neurite extension and migration factor; minus strand). Cytogenetic location: 3q11.2.
Variant type: Translocation.
Identifiers: ClinVar variation 592173 (VCV000592173.2).

ClinVar aggregate classification (germline): Pathogenic (0 of 4 stars; one submission).

Conditions:
X-linked intellectual disability, Cantagrel type (XLID98). Also called: INTELLECTUAL DEVELOPMENTAL DISORDER, X-LINKED 98. Identifiers: Orphanet 85277, MedGen C3806730, MONDO:0010483, OMIM 300912.

Submission:

Genetics Division, Universidade Federal de Sao Paulo
Classification: Pathogenic for X-linked intellectual disability, Cantagrel type. Last evaluated: 2013-03-01. Review status: no assertion criteria provided. Collection method: research. Allele origin: de novo. Inheritance: X-linked inheritance. Affected: yes. Observed: 1 heterozygote.
Comment: However, this gene is not related to the primary amenorrhea phenotype.